The following is an entry in ClinVar:

NC_000009.12:g.35657873G>A

Gene: RMRP (RNA component of mitochondrial RNA processing endoribonuclease; minus strand). Cytogenetic location: 9p13.3.
Variant type: single nucleotide variant.
Genome position: GRCh38 VCF-style: chr9-35657873-G-A. GRCh37 (hg19) VCF-style: chr9-35657870-G-A.
Identifiers: ClinVar variation 383542 (VCV000383542.14), dbSNP rs757576534, ClinGen allele CA5045836.

ClinVar aggregate classification (germline): Uncertain significance. Review status: reviewed by expert panel (3 of 4 stars). 9 submissions from 9 submitters: Uncertain significance (1). 8 of the submissions do not count toward it. Last evaluated 2025-06-10.

Conditions:
Anauxetic dysplasia. Identifiers: Orphanet 93347, MedGen C1846796, MONDO:0011773.
Metaphyseal dysplasia without hypotrichosis. Also called: CARTILAGE-HAIR HYPOPLASIA VARIANT, SKELETAL MANIFESTATIONS ONLY; CARTILAGE-HAIR HYPOPLASIA-LIKE SKELETAL DYSPLASIA WITHOUT HYPOTRICHOSIS OR IMMUNODEFICIENCY; Metaphyseal Dysplasia without Hypotrichosis (MDWH). Identifiers: MedGen C1834821, MONDO:0009601, OMIM 250460.
Metaphyseal chondrodysplasia, McKusick type (CHH). Also called: Cartilage-Hair Hypoplasia (CHH); Cartilage-hair hypoplasia. Identifiers: Orphanet 175, MedGen C0220748, MONDO:0009595, OMIM 250250.
RMRP-related disorder. Also called: RMRP-related condition.

Allele frequency attached by ClinVar (database versions not stated): TOPMed 0.00007; ExAC 0.00009.
gnomAD v4.1: 89 of 694,012 alleles (0.013%); highest among the groups gnomAD compares: Middle Eastern, 0.11%; no homozygotes.

Submissions (9):

ClinGen Severe Combined Immunodeficiency Variant Curation Expert Panel, ClinGen
Classification: Uncertain significance for Metaphyseal chondrodysplasia, McKusick type. Last evaluated: 2025-06-10. Review status: reviewed by expert panel. Criteria: ClinGen SCID ACMG Specifications RMRP V1.0.0. Collection method: curation. Allele origin: germline. Inheritance: Autosomal recessive inheritance.
Comment: This variant is present in a frequency of 0.001105 in the Middle Eastern population. Overall, 89 variants have been observed in a total of 694012 alleles (0.0001282). The Grpmax Filtering AF is 0.0003011, which is above the PM2 threshold the SCID VCEP has established (0.0000447). To date, there are no patients reported with this variant, and therefore none of the phenotypic codes are applicable. In summary, this variant is classified as uncertain significance with none of the codes being applicable.

Center for Genomic Medicine, Rigshospitalet, Copenhagen University Hospital
Classification: Uncertain significance. Last evaluated: 2025-12-29. Review status: criteria provided, single submitter. Criteria: ACMG Guidelines, 2015. Collection method: clinical testing. Allele origin: germline. Not counted in ClinVar's aggregate classification.
Comment: Classification criteria: (PP4_mod)

Blueprint Genetics
Classification: Uncertain significance. Last evaluated: 2024-11-26. Review status: criteria provided, single submitter. Criteria: ACMG Guidelines, 2015. Collection method: clinical testing. Allele origin: germline. Not counted in ClinVar's aggregate classification.

Women's Health and Genetics/Laboratory Corporation of America, LabCorp
Classification: Uncertain significance. Last evaluated: 2024-08-01. Review status: criteria provided, single submitter. Criteria: LabCorp Variant Classification Summary - May 2015. Collection method: clinical testing. Allele origin: germline. Not counted in ClinVar's aggregate classification.
Comment: Variant summary: RMRP n.146C>T alters a nucleotide in the non-coding RNA. The variant allele was found at a frequency of 0.00012 in 130492 control chromosomes. This frequency is not significantly higher than estimated for a pathogenic variant in RMRP causing Cartilage-Hair Hypoplasia (0.00012 vs 0.0072), allowing no conclusion about variant significance. To our knowledge, no occurrence of n.146C>T in individuals affected with Cartilage-Hair Hypoplasia and no experimental evidence demonstrating its impact on protein function have been reported. ClinVar contains an entry for this variant (Variation ID: 383542). Based on the evidence outlined above, the variant was classified as uncertain significance.

Labcorp Genetics (formerly Invitae), Labcorp
Classification: Uncertain significance for Anauxetic dysplasia. Last evaluated: 2022-10-08. Review status: criteria provided, single submitter. Criteria: Invitae Variant Classification Sherloc (09022015). Collection method: clinical testing. Allele origin: germline. Not counted in ClinVar's aggregate classification.
Comment: This variant occurs in the RMRP gene, which encodes an RNA molecule that does not result in a protein product. This variant is present in population databases (rs757576534, gnomAD 0.02%). This variant has not been reported in the literature in individuals affected with RMRP-related conditions. ClinVar contains an entry for this variant (Variation ID: 383542). Experimental studies and prediction algorithms are not available or were not evaluated, and the functional significance of this variant is currently unknown. In summary, the available evidence is currently insufficient to determine the role of this variant in disease. Therefore, it has been classified as a Variant of Uncertain Significance.

Department of Pathology and Laboratory Medicine, Sinai Health System
Classification: Uncertain significance for Metaphyseal chondrodysplasia, McKusick type; Metaphyseal dysplasia without hypotrichosis. Last evaluated: 2022-09-03. Review status: criteria provided, single submitter. Criteria: ACMG Guidelines, 2015. Collection method: research. Allele origin: germline. Not counted in ClinVar's aggregate classification.

GeneDx
Classification: Likely pathogenic. Last evaluated: 2016-01-29. Review status: criteria provided, single submitter. Criteria: GeneDx Variant Classification (06012015). Collection method: clinical testing. Allele origin: germline. Affected: yes. Not counted in ClinVar's aggregate classification.
Comment: To our knowledge, the r. (146 c>t) variant in the RMRP gene, also referred to as r.(145 c>t), has not been published previously as a pathogenic variant nor a benign variant. This substitution occurs at a position that is conserved in mammals and changes a C:G Watson-Crick base pair to a T:G wobble base pair. In addition, other substitutions within the same stem (r.(147 g>a), r.(147 g>c), and r.(169 g>a)) have been reported in the Human Gene Mutation Database in association with CHH (Stenson et al., 2014). Therefore, this variant is likely pathogenic; however, the possibility that it is benign cannot be excluded.

PreventionGenetics, part of Exact Sciences
Classification: Uncertain significance for RMRP-related condition. Last evaluated: 2024-08-08. Review status: no assertion criteria provided. Collection method: clinical testing. Allele origin: germline. Not counted in ClinVar's aggregate classification.
Comment: The RMRP n.146C>T is a noncoding alteration. To our knowledge, this variant has not been reported in the literature. This variant is reported in 0.027% of alleles in individuals of African descent in gnomAD. At this time, the clinical significance of this variant is uncertain due to the absence of conclusive functional and genetic evidence.

Counsyl
Classification: Uncertain significance for Metaphyseal chondrodysplasia, McKusick type. Last evaluated: 2017-05-16. Review status: no assertion criteria provided. Collection method: clinical testing. Allele origin: unknown. Not counted in ClinVar's aggregate classification.

Literature cited by the submitters: PubMed 17701897 (cited by Center for Genomic Medicine, Rigshospitalet, Copenhagen University Hospital); PubMed 32754152 (cited by Center for Genomic Medicine, Rigshospitalet, Copenhagen University Hospital); PubMed 16244706 (cited by Center for Genomic Medicine, Rigshospitalet, Copenhagen University Hospital).